The following is an entry in ClinVar:

NM_152296.5(ATP1A3):c.1899C>A (p.Asp633Glu)

Gene: ATP1A3 (ATPase Na+/K+ transporting subunit alpha 3; minus strand). Cytogenetic location: 19q13.2.
Variant type: single nucleotide variant.
Coding change: c.1899C>A on transcript NM_152296.5 (MANE Select); coding-DNA position 1899, C replaced by A.
Protein change: p.Asp633Glu; replaces aspartic acid 633 with glutamic acid.
Molecular consequence: missense variant.
Genome position (GRCh38, 1-based): chr19:41,977,980, G>T on the plus strand (C>A on the coding strand, the complement: ATP1A3 is on the minus strand). VCF-style: chr19-41977980-G-T. GRCh37 (hg19) VCF-style: chr19-42482132-G-T.
Other names: c.1932C>A, p.Asp644Glu (NM_001256213.2); c.1938C>A, p.Asp646Glu (NM_001256214.2); short protein forms D633E, D644E, D646E.
Identifiers: ClinVar variation 430343 (VCV000430343.3), dbSNP rs1131691915, ClinGen allele CA406044964.

ClinVar aggregate classification (germline): Uncertain significance (1 of 4 stars; one submission).

Submission:

GeneDx
Classification: Uncertain significance. Last evaluated: 2019-09-19. Review status: criteria provided, single submitter. Criteria: GeneDx Variant Classification Process June 2021. Collection method: clinical testing. Allele origin: germline. Affected: yes.
Comment: Not observed in large population cohorts (Lek et al., 2016); In silico analysis, which includes protein predictors and evolutionary conservation, supports a deleterious effect; Has not been previously published as pathogenic or benign to our knowledge